The following is an entry in ClinVar:

NM_001908.5(CTSB):c.471A>G (p.Glu157=)

Gene: CTSB (cathepsin B). Cytogenetic location: 8p23.1.
Variant type: single nucleotide variant.
Coding change: c.471A>G on transcript NM_001908.5 (MANE Select); coding-DNA position 471, A replaced by G.
Protein change: p.Glu157=; no amino-acid change (glutamic acid 157 retained).
Molecular consequence: synonymous variant.
Genome position (GRCh38, 1-based): chr8:11,848,128, T>C on the plus strand (A>G on the coding strand, the complement: CTSB is on the minus strand). VCF-style: chr8-11848128-T-C. GRCh37 (hg19) VCF-style: chr8-11705637-T-C.
Other names: c.99A>G, p.Glu33= (NM_001317237.2); c.471A>G, p.Glu157= (NM_001384714.1, NM_001384723.1, NM_001384724.1 and 8 more transcripts).
Identifiers: ClinVar variation 3058284 (VCV003058284.2), dbSNP rs376137412, ClinGen allele CA4632801.

ClinVar aggregate classification (germline): Likely benign (0 of 4 stars; one submission).

Conditions:
CTSB-related disorder. Also called: CTSB-related condition.

Allele frequency attached by ClinVar (database versions not stated): ExAC 0.00004; gnomAD 0.00011; ESP Exome Variant Server 0.00015; TOPMed 0.00016.
gnomAD v4.1: 43 of 1,614,156 alleles (0.0027%); highest among the groups gnomAD compares: African/African-American, 0.053%; no homozygotes.

Submission:

PreventionGenetics, part of Exact Sciences
Classification: Likely benign for CTSB-related condition. Last evaluated: 2019-04-11. Review status: no assertion criteria provided. Collection method: clinical testing. Allele origin: germline.
Comment: This variant is classified as likely benign based on ACMG/AMP sequence variant interpretation guidelines (Richards et al. 2015 PMID: 25741868, with internal and published modifications).